The following is an entry in ClinVar:

NM_016169.4(SUFU):c.715C>G (p.Arg239Gly)

Gene: SUFU (SUFU negative regulator of hedgehog signaling; plus strand). Cytogenetic location: 10q24.32.
Variant type: single nucleotide variant.
Coding change: c.715C>G on transcript NM_016169.4 (MANE Select); coding-DNA position 715, C replaced by G.
Protein change: p.Arg239Gly; replaces arginine 239 with glycine.
Molecular consequence: missense variant.
Genome position (GRCh38, 1-based): chr10:102,594,024, C>G. VCF-style: chr10-102594024-C-G. GRCh37 (hg19) VCF-style: chr10-104353781-C-G.
Other names: c.715C>G, p.Arg239Gly (NM_001178133.2); short protein forms R239G.
Identifiers: ClinVar variation 578396 (VCV000578396.9), dbSNP rs369465986, ClinGen allele CA377909806.
Genomic context (GRCh38, chr10:102,594,024, plus strand): 5'-ACCATTGTATCCCCTTTCCTTGTCCACAGTGCTGGCGGCCCCTGGCTGATAACTGACATG[C>G]GGAGGGGAGAGACCATATTTGAGATCGATCCACACCTGCAAGTATGTCTTGAGTGAGGAA-3'
Protein context (NP_057253.2, residues 229-249): AGGPWLITDM[Arg239Gly]RGETIFEIDP

ClinVar aggregate classification (germline): Uncertain significance (1 of 4 stars; one submission).

Conditions:
Gorlin syndrome. Also called: Basal cell nevus syndrome; Nevoid Basal Cell Carcinoma Syndrome. Identifiers: Orphanet 377, MedGen C0004779, MONDO:0007187.
Medulloblastoma (MDB). Also called: MEDULLOBLASTOMA PREDISPOSITION SYNDROME; Medulloblastoma, somatic. Identifiers: Orphanet 616, MedGen C0025149, MeSH D008527, MONDO:0007959, OMIM 155255, HP:0002885.

Submission:

Labcorp Genetics (formerly Invitae), Labcorp
Classification: Uncertain significance for Gorlin syndrome; Medulloblastoma. Last evaluated: 2025-11-10. Review status: criteria provided, single submitter. Criteria: Invitae Variant Classification Sherloc (09022015). Collection method: clinical testing. Allele origin: germline.
Comment: This sequence change replaces arginine, which is basic and polar, with glycine, which is neutral and non-polar, at codon 239 of the SUFU protein (p.Arg239Gly). This variant is not present in population databases (gnomAD no frequency). This variant has not been reported in the literature in individuals affected with SUFU-related conditions. ClinVar contains an entry for this variant (Variation ID: 578396). Invitae Evidence Modeling of protein sequence and biophysical properties (such as structural, functional, and spatial information, amino acid conservation, physicochemical variation, residue mobility, and thermodynamic stability) indicates that this missense variant is not expected to disrupt SUFU protein function with a negative predictive value of 80%. Algorithms developed to predict the effect of sequence changes on RNA splicing suggest that this variant may disrupt the consensus splice site. In summary, the available evidence is currently insufficient to determine the role of this variant in disease. Therefore, it has been classified as a Variant of Uncertain Significance.